The following is an entry in ClinVar:

NM_023110.3(FGFR1):c.836T>G (p.Val279Gly)

Gene: FGFR1 (fibroblast growth factor receptor 1; minus strand). Cytogenetic location: 8p11.23.
Variant type: single nucleotide variant.
Coding change: c.836T>G on transcript NM_023110.3 (MANE Select); coding-DNA position 836, T replaced by G.
Protein change: p.Val279Gly; replaces valine 279 with glycine.
Molecular consequence: missense variant.
Genome position (GRCh38, 1-based): chr8:38,424,609, A>C on the plus strand (T>G on the coding strand, the complement: FGFR1 is on the minus strand). VCF-style: chr8-38424609-A-C. GRCh37 (hg19) VCF-style: chr8-38282127-A-C.
Other names: c.836T>G, p.Val279Gly (NM_001174063.2); c.812T>G, p.Val271Gly (NM_001174064.2); c.830T>G, p.Val277Gly (NM_001174065.2, NM_001354367.2, NM_001354369.2 and 1 more transcripts); c.569T>G, p.Val190Gly (NM_001174066.2, NM_023105.3); c.929T>G, p.Val310Gly (NM_001174067.2); c.563T>G, p.Val188Gly (NM_001354368.2, NM_001354370.2, NM_023106.3); short protein forms V279G, V190G, V271G, V310G, V188G, V277G.
Identifiers: ClinVar variation 418205 (VCV000418205.2), dbSNP rs1064793121, ClinGen allele CA16618632.

ClinVar aggregate classification (germline): Likely pathogenic (1 of 4 stars; one submission).

Submission:

GeneDx
Classification: Likely pathogenic. Last evaluated: 2015-09-02. Review status: criteria provided, single submitter. Criteria: GeneDx Variant Classification (06012015). Collection method: clinical testing. Allele origin: germline. Affected: yes.
Comment: The V279G variant has not been published as a pathogenic variant, nor has it been reported as a benign polymorphism to our knowledge. The V279G variant was not observed in approximately 6,500 individuals of European and African American ancestry in the NHLBI Exome Sequencing Project, indicating it is not a common benign variant in these populations. The V279G variant is a conservative amino acid substitution, which is not likely to impact secondary protein structure as these residues share similar properties. However, this substitution occurs at a position that is highly conserved across species and in silico analysis predicts this variant is probably damaging to the protein structure/function. Additionally, missense variants in nearby residues (E274G, C277Y, S281G, P283R, P285R) have been reported in the Human Gene Mutation Database in association with Kallmann syndrome (Stenson et al., 2009), supporting the functional importance of this region of the protein. Therefore, this variant is a strong candidate for a pathogenic variant; however, the possibility that it is a benign variant cannot be excluded.